The following is an entry in ClinVar:

ClinVar aggregate classification (germline): Pathogenic (1 of 4 stars; one submission).

Conditions:
Polyhydramnios, megalencephaly, and symptomatic epilepsy (PMSE). Also called: PMSE SYNDROME. Identifiers: Orphanet 500533, MedGen C1970203, MONDO:0012611, OMIM 611087.

Submission:

Labcorp Genetics (formerly Invitae), Labcorp
Classification: Pathogenic for Polyhydramnios, megalencephaly, and symptomatic epilepsy. Last evaluated: 2023-06-05. Review status: criteria provided, single submitter. Criteria: Invitae Variant Classification Sherloc (09022015). Collection method: clinical testing. Allele origin: unknown.
Comment: For these reasons, this variant has been classified as Pathogenic. This variant has not been reported in the literature in individuals affected with STRADA-related conditions. This variant is a gross deletion of the genomic region encompassing exon(s) 2 of the STRADA gene, which includes the initiator codon. This deletion extends beyond the assayed region for this gene and therefore may encompass additional genes. It is expected to result in an absent or disrupted protein product. Loss-of-function variants in STRADA are known to be pathogenic (PMID: 17522105, 27170158).

Literature cited by the submitters: PubMed 17522105; PubMed 27170158.

NC_000017.10:g.(?_61805674)_(61805729_?)del

Gene: STRADA (STE20 related adaptor alpha; minus strand). Cytogenetic location: 17q23.3.
Variant type: Deletion.
Identifiers: ClinVar variation 3243064 (VCV003243064.1).